The following is an entry in ClinVar:

NM_001943.5(DSG2):c.31C>G (p.Leu11Val)

Genes: DSG2 (desmoglein 2; plus strand), LOC130062340 (ATAC-STARR-seq lymphoblastoid silent region 9384; plus strand). Cytogenetic location: 18q12.1.
Variant type: single nucleotide variant.
Coding change: c.31C>G on transcript NM_001943.5 (MANE Select); coding-DNA position 31, C replaced by G.
Protein change: p.Leu11Val; replaces leucine 11 with valine.
Molecular consequence: missense variant.
Genome position (GRCh38, 1-based): chr18:31,498,282, C>G. VCF-style: chr18-31498282-C-G. GRCh37 (hg19) VCF-style: chr18-29078245-C-G.
Other names: short protein forms L11V.
Identifiers: ClinVar variation 2770046 (VCV002770046.3), dbSNP rs1220091298, ClinGen allele CA402127622.
Genomic context (GRCh38, chr18:31,498,282, plus strand): 5'-GCGGCGGCGGGAGGCGGAGGCGAGGGTGCGATGGCGCGGAGCCCGGGACGCGCGTACGCC[C>G]TGCTGCTTCTCCTGGTAAGTGCCGCAAGCGGGACAGGGGAGCCACCGCCGGGGAGGGCGT-3'
Protein context (NP_001934.2, residues 1-21): MARSPGRAYA[Leu11Val]LLLLICFNVG

ClinVar aggregate classification (germline): Uncertain significance (1 of 4 stars; one submission).

Conditions:
Arrhythmogenic right ventricular dysplasia 10. Also called: Arrhythmogenic right ventricular dysplasia/cardiomyopathy, type 10; Arrhythmogenic Right Ventricular Dysplasia/Cardiomyopathy10; ARRHYTHMOGENIC RIGHT VENTRICULAR DYSPLASIA, FAMILIAL, 10. Identifiers: MedGen C1857777, MONDO:0012434, OMIM 610193.

Submission:

Labcorp Genetics (formerly Invitae), Labcorp
Classification: Uncertain significance for Arrhythmogenic right ventricular dysplasia 10. Last evaluated: 2023-06-05. Review status: criteria provided, single submitter. Criteria: Invitae Variant Classification Sherloc (09022015). Collection method: clinical testing. Allele origin: germline.
Comment: In summary, the available evidence is currently insufficient to determine the role of this variant in disease. Therefore, it has been classified as a Variant of Uncertain Significance. Advanced modeling of protein sequence and biophysical properties (such as structural, functional, and spatial information, amino acid conservation, physicochemical variation, residue mobility, and thermodynamic stability) performed at Invitae indicates that this missense variant is not expected to disrupt DSG2 protein function. This variant has not been reported in the literature in individuals affected with DSG2-related conditions. This variant is not present in population databases (gnomAD no frequency). This sequence change replaces leucine, which is neutral and non-polar, with valine, which is neutral and non-polar, at codon 11 of the DSG2 protein (p.Leu11Val).